The following is an entry in ClinVar:

ClinVar aggregate classification (germline): Uncertain significance. Review status: criteria provided, multiple submitters, no conflicts (2 of 4 stars). 2 submissions from 2 submitters: Uncertain significance (2). Last evaluated 2023-03-29.

Conditions:
Inborn genetic diseases. Identifiers: MedGen C0950123, MeSH D030342.
Cowden syndrome 6 (CWS6). Identifiers: Orphanet 201, MedGen C3554519, MONDO:0014048, OMIM 615109.

Allele frequency attached by ClinVar (database versions not stated): gnomAD exomes below 0.00001; TOPMed below 0.00001.

Submissions (2):

Labcorp Genetics (formerly Invitae), Labcorp
Classification: Uncertain significance for Cowden syndrome 6. Last evaluated: 2023-03-29. Review status: criteria provided, single submitter. Criteria: Invitae Variant Classification Sherloc (09022015). Collection method: clinical testing. Allele origin: germline.
Comment: An algorithm developed to predict the effect of missense changes on protein structure and function (PolyPhen-2) suggests that this variant is likely to be disruptive. In summary, the available evidence is currently insufficient to determine the role of this variant in disease. Therefore, it has been classified as a Variant of Uncertain Significance. ClinVar contains an entry for this variant (Variation ID: 1501220). This variant has not been reported in the literature in individuals affected with AKT1-related conditions. This variant is not present in population databases (gnomAD no frequency). This sequence change replaces leucine, which is neutral and non-polar, with phenylalanine, which is neutral and non-polar, at codon 110 of the AKT1 protein (p.Leu110Phe).

Ambry Genetics
Classification: Uncertain significance for Inborn genetic diseases. Last evaluated: 2021-12-11. Review status: criteria provided, single submitter. Criteria: Ambry Variant Classification Scheme 2023. Collection method: clinical testing. Allele origin: germline.
Comment: The p.L110F variant (also known as c.328C>T), located in coding exon 4 of the AKT1 gene, results from a C to T substitution at nucleotide position 328. The leucine at codon 110 is replaced by phenylalanine, an amino acid with highly similar properties. This amino acid position is conserved. In addition, this alteration is predicted to be tolerated by in silico analysis. Since supporting evidence is limited at this time, the clinical significance of this alteration remains unclear.

NM_001382430.1(AKT1):c.328C>T (p.Leu110Phe)

Gene: AKT1 (AKT serine/threonine kinase 1; minus strand). Cytogenetic location: 14q32.33.
Variant type: single nucleotide variant.
Coding change: c.328C>T on transcript NM_001382430.1 (MANE Select); coding-DNA position 328, C replaced by T.
Protein change: p.Leu110Phe; replaces leucine 110 with phenylalanine.
Molecular consequence: missense variant.
Genome position (GRCh38, 1-based): chr14:104,775,759, G>A on the plus strand (C>T on the coding strand, the complement: AKT1 is on the minus strand). VCF-style: chr14-104775759-G-A. GRCh37 (hg19) VCF-style: chr14-105242096-G-A.
Other names: c.328C>T, p.Leu110Phe (NM_001382432.1, NM_001382433.1, NM_005163.2 and 3 more transcripts); short protein forms L110F.
Identifiers: ClinVar variation 1501220 (VCV001501220.10), dbSNP rs1892663954, ClinGen allele CA391220362.